The following is an entry in ClinVar:

NM_014262.5(P3H3):c.972G>A (p.Glu324=)

Gene: P3H3 (prolyl 3-hydroxylase 3; plus strand). Cytogenetic location: 12p13.31.
Variant type: single nucleotide variant.
Coding change: c.972G>A on transcript NM_014262.5 (MANE Select); coding-DNA position 972, G replaced by A.
Protein change: p.Glu324=; no amino-acid change (glutamic acid 324 retained).
Molecular consequence: synonymous variant.
Genome position (GRCh38, 1-based): chr12:6,830,757, G>A. VCF-style: chr12-6830757-G-A. GRCh37 (hg19) VCF-style: chr12-6939921-G-A.
Identifiers: ClinVar variation 2642638 (VCV002642638.24), dbSNP rs369615544, ClinGen allele CA6416790.

ClinVar aggregate classification (germline): Likely benign (1 of 4 stars; one submission).

Allele frequency attached by ClinVar (database versions not stated): gnomAD exomes below 0.00001; ExAC 0.00001; ESP Exome Variant Server 0.00008.
gnomAD v4.1: 2 of 1,614,012 alleles (0.00012%); highest among the groups gnomAD compares: Non-Finnish European, 0.000085%; no homozygotes.

Submission:

CeGaT Center for Human Genetics Tuebingen
Classification: Likely benign. Last evaluated: 2022-07-01. Review status: criteria provided, single submitter. Criteria: CeGaT Center For Human Genetics Tuebingen Variant Classification Criteria Version 2. Collection method: clinical testing. Allele origin: germline. Affected: yes. Observed: 1 variant allele.
Comment: P3H3: BP4, BP7